The following is an entry in ClinVar:

ClinVar aggregate classification (germline): Uncertain significance. Review status: criteria provided, multiple submitters, no conflicts (2 of 4 stars). 2 submissions from 2 submitters: Uncertain significance (2). Last evaluated 2026-08-03.

Conditions:
Inborn genetic diseases. Identifiers: MedGen C0950123, MeSH D030342.

Submissions (2):

Ambry Genetics
Classification: Uncertain significance for Inborn genetic diseases. Last evaluated: 2026-08-03. Review status: criteria provided, single submitter. Criteria: Ambry Variant Classification Scheme 2023. Collection method: clinical testing. Allele origin: germline.

Labcorp Genetics (formerly Invitae), Labcorp
Classification: Uncertain significance. Last evaluated: 2025-05-07. Review status: criteria provided, single submitter. Criteria: Invitae Variant Classification Sherloc (09022015). Collection method: clinical testing. Allele origin: germline.
Comment: This sequence change replaces lysine, which is basic and polar, with threonine, which is neutral and polar, at codon 788 of the ADNP protein (p.Lys788Thr). This variant is not present in population databases (gnomAD no frequency). This variant has not been reported in the literature in individuals affected with ADNP-related conditions. An algorithm developed to predict the effect of missense changes on protein structure and function (PolyPhen-2) suggests that this variant is likely to be disruptive. In summary, the available evidence is currently insufficient to determine the role of this variant in disease. Therefore, it has been classified as a Variant of Uncertain Significance.

NM_001282531.3(ADNP):c.2363A>C (p.Lys788Thr)

Gene: ADNP (activity dependent neuroprotector homeobox; minus strand). Cytogenetic location: 20q13.13.
Variant type: single nucleotide variant.
Coding change: c.2363A>C on transcript NM_001282531.3 (MANE Select); coding-DNA position 2363, A replaced by C.
Protein change: p.Lys788Thr; replaces lysine 788 with threonine.
Molecular consequence: missense variant.
Genome position (GRCh38, 1-based): chr20:50,892,351, T>G on the plus strand (A>C on the coding strand, the complement: ADNP is on the minus strand). VCF-style: chr20-50892351-T-G. GRCh37 (hg19) VCF-style: chr20-49508888-T-G.
Other names: c.2363A>C, p.Lys788Thr (NM_001282532.2, NM_001347511.2, NM_015339.5 and 1 more transcripts); c.2579A>C, p.Lys860Thr (NM_001439000.1); c.1679A>C, p.Lys560Thr (NM_001439001.1); c.2363A>C (NM_015339.2); short protein forms K788T, K560T, K860T.
Identifiers: ClinVar variation 4719131 (VCV004719131.2).